The following is an entry in ClinVar:

NM_018127.7(ELAC2):c.145T>C (p.Ser49Pro)

Gene: ELAC2 (elaC ribonuclease Z 2; minus strand). Cytogenetic location: 17p12.
Variant type: single nucleotide variant.
Coding change: c.145T>C on transcript NM_018127.7 (MANE Select); coding-DNA position 145, T replaced by C.
Protein change: p.Ser49Pro; replaces serine 49 with proline.
Molecular consequence: missense variant.
Genome position (GRCh38, 1-based): chr17:13,017,803, A>G on the plus strand (T>C on the coding strand, the complement: ELAC2 is on the minus strand). VCF-style: chr17-13017803-A-G. GRCh37 (hg19) VCF-style: chr17-12921120-A-G.
Other names: c.145T>C, p.Ser49Pro (NM_001165962.2, NM_173717.2); short protein forms S49P.
Identifiers: ClinVar variation 474560 (VCV000474560.2), dbSNP rs1555584447, ClinGen allele CA398219074.

ClinVar aggregate classification (germline): Uncertain significance (1 of 4 stars; one submission).

Conditions:
Combined oxidative phosphorylation defect type 17. Also called: Combined oxidative phosphorylation deficiency 17. Identifiers: Orphanet 369913, MedGen C3809526, MONDO:0014190, OMIM 615440.

Allele frequency attached by ClinVar (database versions not stated): gnomAD exomes below 0.00001.
gnomAD v4.1: 1 of 1,604,850 alleles (0.000062%); highest among the groups gnomAD compares: Non-Finnish European, 0.000085%; no homozygotes.

Submission:

Labcorp Genetics (formerly Invitae), Labcorp
Classification: Uncertain significance for Combined oxidative phosphorylation defect type 17. Last evaluated: 2022-05-01. Review status: criteria provided, single submitter. Criteria: Invitae Variant Classification Sherloc (09022015). Collection method: clinical testing. Allele origin: germline.
Comment: This sequence change replaces serine, which is neutral and polar, with proline, which is neutral and non-polar, at codon 49 of the ELAC2 protein (p.Ser49Pro). This variant is not present in population databases (gnomAD no frequency). This variant has not been reported in the literature in individuals affected with ELAC2-related conditions. ClinVar contains an entry for this variant (Variation ID: 474560). Algorithms developed to predict the effect of missense changes on protein structure and function output the following: SIFT: "Tolerated"; PolyPhen-2: "Benign"; Align-GVGD: "Class C0". The proline amino acid residue is found in multiple mammalian species, which suggests that this missense change does not adversely affect protein function. In summary, the available evidence is currently insufficient to determine the role of this variant in disease. Therefore, it has been classified as a Variant of Uncertain Significance.